The following is an entry in ClinVar:

NM_003467.3(CXCR4):c.153T>A (p.Thr51=)

Gene: CXCR4 (C-X-C motif chemokine receptor 4; minus strand). Cytogenetic location: 2q22.1.
Variant type: single nucleotide variant.
Coding change: c.153T>A on transcript NM_003467.3 (MANE Select); coding-DNA position 153, T replaced by A.
Protein change: p.Thr51=; no amino-acid change (threonine 51 retained).
Molecular consequence: synonymous variant.
Genome position (GRCh38, 1-based): chr2:136,115,775, A>T on the plus strand (T>A on the coding strand, the complement: CXCR4 is on the minus strand). VCF-style: chr2-136115775-A-T. GRCh37 (hg19) VCF-style: chr2-136873345-A-T.
Other names: c.165T>A, p.Thr55= (NM_001008540.2); c.366T>A, p.Thr122= (NM_001348056.2); c.252T>A, p.Thr84= (NM_001348059.2); c.108T>A, p.Thr36= (NM_001348060.2).
Identifiers: ClinVar variation 374560 (VCV000374560.57), dbSNP rs145879963, ClinGen allele CA1890153.

ClinVar aggregate classification (germline): Conflicting classifications of pathogenicity. Review status: criteria provided, conflicting classifications (1 of 4 stars). 5 submissions from 5 submitters: Uncertain significance (1); Likely benign (4). Last evaluated 2026-02-03.

Conditions:
CXCR4-related disorder. Also called: CXCR4-related condition.
Warts, hypogammaglobulinemia, infections, and myelokathexis. Also called: WHIM syndrome. Identifiers: MedGen C0472817, MONDO:0023880.

Allele frequency attached by ClinVar (database versions not stated): TOPMed 0.00010; gnomAD 0.00020 and 0.00021; gnomAD exomes 0.00022 and 0.00026; ESP Exome Variant Server 0.00023; ExAC 0.00030.

Submissions (5):

PreventionGenetics, part of Exact Sciences
Classification: Likely benign for CXCR4-related condition. Last evaluated: 2026-02-03. Review status: criteria provided, single submitter. Criteria: ACMG Guidelines, 2015. Collection method: clinical testing. Allele origin: germline.
Comment: This variant is classified as likely benign based on ACMG/AMP sequence variant interpretation guidelines (Richards et al. 2015 PMID: 25741868, with internal and published modifications).

Labcorp Genetics (formerly Invitae), Labcorp
Classification: Likely benign for Warts, hypogammaglobulinemia, infections, and myelokathexis. Last evaluated: 2026-01-04. Review status: criteria provided, single submitter. Criteria: Invitae Variant Classification Sherloc (09022015). Collection method: clinical testing. Allele origin: germline.

CeGaT Center for Human Genetics Tuebingen
Classification: Likely benign. Last evaluated: 2026-01-01. Review status: criteria provided, single submitter. Criteria: CeGaT Center For Human Genetics Tuebingen Variant Classification Criteria Version 2. Collection method: clinical testing. Allele origin: germline. Affected: yes. Observed: 2 variant alleles.
Comment: CXCR4: BP4, BP7

Blueprint Genetics
Classification: Likely benign. Last evaluated: 2024-11-06. Review status: criteria provided, single submitter. Criteria: ACMG Guidelines, 2015. Collection method: clinical testing. Allele origin: germline.

Mayo Clinic Laboratories, Mayo Clinic
Classification: Uncertain significance. Last evaluated: 2020-07-24. Review status: criteria provided, single submitter. Criteria: ACMG Guidelines, 2015. Collection method: clinical testing. Allele origin: germline. Observed: 1 variant allele.